The following is an entry in ClinVar:

NM_001242835.2(NDRG4):c.874T>C (p.Leu292=)

Gene: NDRG4 (NDRG family member 4; plus strand). Cytogenetic location: 16q21.
Variant type: single nucleotide variant.
Coding change: c.874T>C on transcript NM_001242835.2 (MANE Select); coding-DNA position 874, T replaced by C.
Protein change: p.Leu292=; no amino-acid change (leucine 292 retained).
Molecular consequence: synonymous variant. On other transcripts: intron variant (15).
Genome position (GRCh38, 1-based): chr16:58,510,653, T>C. VCF-style: chr16-58510653-T-C. GRCh37 (hg19) VCF-style: chr16-58544557-T-C.
Other names: c.1120T>C, p.Leu374= (NM_001378332.1); c.1084T>C, p.Leu362= (NM_001378333.1); c.1030T>C, p.Leu344= (NM_001378336.1); c.1024T>C, p.Leu342= (NM_001378338.1); c.1009T>C, p.Leu337= (NM_001378341.1); c.964T>C, p.Leu322= (NM_001378344.1); c.970T>C, p.Leu324= (NM_001378345.1); c.928T>C, p.Leu310= (NM_001378347.1); and 12 more.
Identifiers: ClinVar variation 3042800 (VCV003042800.2), dbSNP rs1028962518, ClinGen allele CA281659955.

ClinVar aggregate classification (germline): Likely benign (0 of 4 stars; one submission).

Conditions:
NDRG4-related disorder. Also called: NDRG4-related condition.

Allele frequency attached by ClinVar (database versions not stated): TOPMed below 0.00001; gnomAD 0.00001; gnomAD exomes 0.00001.
gnomAD v4.1: 18 of 1,535,952 alleles (0.0012%); highest among the groups gnomAD compares: Middle Eastern, 0.067%; no homozygotes.

Submission:

PreventionGenetics, part of Exact Sciences
Classification: Likely benign for NDRG4-related condition. Last evaluated: 2019-06-19. Review status: no assertion criteria provided. Collection method: clinical testing. Allele origin: germline.
Comment: This variant is classified as likely benign based on ACMG/AMP sequence variant interpretation guidelines (Richards et al. 2015 PMID: 25741868, with internal and published modifications).